The following is an entry in ClinVar:

NM_000302.4(PLOD1):c.1693G>C (p.Ala565Pro)

Gene: PLOD1 (procollagen-lysine,2-oxoglutarate 5-dioxygenase 1; plus strand). Cytogenetic location: 1p36.22.
Variant type: single nucleotide variant.
Coding change: c.1693G>C on transcript NM_000302.4 (MANE Select); coding-DNA position 1693, G replaced by C.
Protein change: p.Ala565Pro; replaces alanine 565 with proline.
Molecular consequence: missense variant.
Genome position (GRCh38, 1-based): chr1:11,967,029, G>C. VCF-style: chr1-11967029-G-C. GRCh37 (hg19) VCF-style: chr1-12027086-G-C.
Other names: c.1834G>C, p.Ala612Pro (NM_001316320.2); short protein forms A565P, A612P.
Identifiers: ClinVar variation 5026850 (VCV005026850.1).

ClinVar aggregate classification (germline): Uncertain significance (1 of 4 stars; one submission).

Conditions:
Familial thoracic aortic aneurysm and aortic dissection (TAAD). Also called: Thoracic aortic aneurysms and dissections. Identifiers: Orphanet 91387, MedGen C4707243, MONDO:0019625.

Submission:

Ambry Genetics
Classification: Uncertain significance for Familial thoracic aortic aneurysm and aortic dissection. Last evaluated: 2026-08-03. Review status: criteria provided, single submitter. Criteria: Ambry Variant Classification Scheme 2023. Collection method: clinical testing. Allele origin: germline.
Comment: The p.A565P variant (also known as c.1693G>C), located in coding exon 16 of the PLOD1 gene, results from a G to C substitution at nucleotide position 1693. The alanine at codon 565 is replaced by proline, an amino acid with highly similar properties. This amino acid position is conserved. In addition, this alteration is predicted to be deleterious by in silico analysis. Based on the available evidence, the clinical significance of this variant remains unclear.